The following is an entry in ClinVar:

NM_000030.3(AGXT):c.335C>A (p.Ala112Asp)

Gene: AGXT (alanine--glyoxylate aminotransferase; plus strand). Cytogenetic location: 2q37.3.
Variant type: single nucleotide variant.
Coding change: c.335C>A on transcript NM_000030.3 (MANE Select); coding-DNA position 335, C replaced by A.
Protein change: p.Ala112Asp; replaces alanine 112 with aspartic acid.
Molecular consequence: missense variant.
Genome position (GRCh38, 1-based): chr2:240,869,339, C>A. VCF-style: chr2-240869339-C-A. GRCh37 (hg19) VCF-style: chr2-241808756-C-A.
Other names: short protein forms A112D.
Identifiers: ClinVar variation 204093 (VCV000204093.11), dbSNP rs796052061, ClinGen allele CA275673.
Genomic context (GRCh38, chr2:240,869,339, plus strand): 5'-ATGTGCTGGAGCCTGGGGACTCCTTCCTGGTTGGGGCCAATGGCATTTGGGGGCAGCGAG[C>A]CGTGGACATCGGGGAGCGCATAGGTAAGGGAGAGGCCCAGGTGGGGATGGCCCTGGATCC-3'
Protein context (NP_000021.1, residues 102-122): VGANGIWGQR[Ala112Asp]VDIGERIGAR

ClinVar aggregate classification (germline): Pathogenic/Likely pathogenic. Review status: criteria provided, multiple submitters, no conflicts (2 of 4 stars). 5 submissions from 5 submitters: Pathogenic (2); Likely pathogenic (2). 1 of the submissions does not count toward it. Last evaluated 2024-06-03.

Conditions:
Primary hyperoxaluria. Identifiers: Orphanet 416, MedGen C0020501, MONDO:0002474.
Primary hyperoxaluria, type I (HP1). Also called: GLYCOLIC ACIDURIA; HEPATIC AGT DEFICIENCY; OXALOSIS I; Primary hyperoxaluria type 1. Identifiers: Orphanet 416, Orphanet 93598, MedGen C0268164, MONDO:0009823, OMIM 259900. Disease mechanism: loss of function.

Submissions (5):

Labcorp Genetics (formerly Invitae), Labcorp
Classification: Pathogenic. Last evaluated: 2024-06-03. Review status: criteria provided, single submitter. Criteria: Invitae Variant Classification Sherloc (09022015). Collection method: clinical testing. Allele origin: germline.
Comment: This sequence change replaces alanine, which is neutral and non-polar, with aspartic acid, which is acidic and polar, at codon 112 of the AGXT protein (p.Ala112Asp). This variant is not present in population databases (gnomAD no frequency). This missense change has been observed in individual(s) with primary hyperoxaluria type 1 (PMID: 12559847). ClinVar contains an entry for this variant (Variation ID: 204093). Advanced modeling of protein sequence and biophysical properties (such as structural, functional, and spatial information, amino acid conservation, physicochemical variation, residue mobility, and thermodynamic stability) performed at Invitae indicates that this missense variant is expected to disrupt AGXT protein function with a positive predictive value of 80%. Experimental studies have shown that this missense change affects AGXT function (PMID: 12559847). For these reasons, this variant has been classified as Pathogenic.

Fulgent Genetics
Classification: Likely pathogenic for Primary hyperoxaluria, type I. Last evaluated: 2024-05-04. Review status: criteria provided, single submitter. Criteria: ACMG Guidelines, 2015. Collection method: clinical testing. Allele origin: germline.

Women's Health and Genetics/Laboratory Corporation of America, LabCorp
Classification: Pathogenic for Primary hyperoxaluria. Last evaluated: 2024-04-25. Review status: criteria provided, single submitter. Criteria: LabCorp Variant Classification Summary - May 2015. Collection method: clinical testing. Allele origin: germline.
Comment: Variant summary: AGXT c.335C>A (p.Ala112Asp) results in a non-conservative amino acid change in the encoded protein sequence. Five of five in-silico tools predict a damaging effect of the variant on protein function. The variant was absent in 241646 control chromosomes (gnomAD). c.335C>A has been reported in the literature in individuals affected with Primary Hyperoxaluria Type 1 (Coulter-Mackie_2003). These data indicate that the variant is likely to be associated with disease. Publications also reported experimental evidence evaluating an impact on protein function, and demonstrated that the variant resulted in about ~2-5% of normal catalytic activity in both patient derived samples and in in vitro expression systems on the background of the major allele (Coulter-Mackie_2003, Coulter-Mackie_2006). The following publications have been ascertained in the context of this evaluation (PMID: 12559847, 16971151). ClinVar contains an entry for this variant (Variation ID: 204093). Based on the evidence outlined above, the variant was classified as pathogenic.

Revvity Omics, Revvity
Classification: Likely pathogenic for Primary hyperoxaluria, type I. Last evaluated: 2021-04-16. Review status: criteria provided, single submitter. Criteria: ACMG Guidelines, 2015. Collection method: clinical testing. Allele origin: germline.

Clinical Biochemistry Laboratory, Health Services Laboratory
Classification: Pathogenic for Primary hyperoxaluria, type I. Last evaluated: 2014-11-27. Review status: no assertion criteria provided. Collection method: in vitro. Allele origin: germline. Affected: yes. Not counted in ClinVar's aggregate classification.
Comment: Erroneously reported as c.336C>A

Literature cited by the submitters: PubMed 12559847 (cited by 3 submitters); PubMed 16971151 (cited by Women's Health and Genetics/Laboratory Corporation of America, LabCorp).